The following is an entry in ClinVar:

ClinVar aggregate classification (germline): Likely benign. Review status: criteria provided, multiple submitters, no conflicts (2 of 4 stars). 3 submissions from 3 submitters: Likely benign (3). Last evaluated 2021-07-29.

Conditions:
Familial acute necrotizing encephalopathy (IIAE3). Also called: Susceptibility to Acute Necrotizing Encephalopathy 1; ENCEPHALOPATHY, ACUTE, INFECTION-INDUCED, SUSCEPTIBILITY TO, 3. Identifiers: Orphanet 88619, MedGen C2675556, MONDO:0011953, OMIM 608033.

Allele frequency attached by ClinVar (database versions not stated): ExAC 0.00008; gnomAD 0.00009 and 0.00010; gnomAD exomes 0.00009; TOPMed 0.00011; ESP Exome Variant Server 0.00015; 1000 Genomes Project 30x 0.00031; 1000 Genomes Project 0.00040.
gnomAD v4.1: 121 of 1,612,060 alleles (0.0075%); highest among the groups gnomAD compares: Admixed American, 0.015%; 1 homozygote.

Submissions (3):

Blueprint Genetics
Classification: Likely benign. Last evaluated: 2021-07-29. Review status: criteria provided, single submitter. Criteria: ACMG Guidelines, 2015. Collection method: clinical testing. Allele origin: germline.

Labcorp Genetics (formerly Invitae), Labcorp
Classification: Likely benign for Familial acute necrotizing encephalopathy. Last evaluated: 2020-11-03. Review status: criteria provided, single submitter. Criteria: Invitae Variant Classification Sherloc (09022015). Collection method: clinical testing. Allele origin: germline.

GeneDx
Classification: Likely benign. Last evaluated: 2018-05-16. Review status: criteria provided, single submitter. Criteria: GeneDx Variant Classification (06012015). Collection method: clinical testing. Allele origin: germline. Affected: yes.
Comment: This variant is considered likely benign or benign based on one or more of the following criteria: it is a conservative change, it occurs at a poorly conserved position in the protein, it is predicted to be benign by multiple in silico algorithms, and/or has population frequency not consistent with disease.

NM_006267.5(RANBP2):c.7617A>T (p.Ser2539=)

Gene: RANBP2 (RAN binding protein 2; plus strand). Cytogenetic location: 2q13.
Variant type: single nucleotide variant.
Coding change: c.7617A>T on transcript NM_006267.5 (MANE Select); coding-DNA position 7617, A replaced by T.
Protein change: p.Ser2539=; no amino-acid change (serine 2539 retained).
Molecular consequence: synonymous variant.
Genome position (GRCh38, 1-based): chr2:108,768,156, A>T. VCF-style: chr2-108768156-A-T. GRCh37 (hg19) VCF-style: chr2-109384612-A-T.
Identifiers: ClinVar variation 677262 (VCV000677262.11), dbSNP rs143675099, ClinGen allele CA1823620.